The following is an entry in ClinVar:

NM_000059.4(BRCA2):c.572A>G (p.Asp191Gly)

Gene: BRCA2 (BRCA2 DNA repair associated; plus strand). Cytogenetic location: 13q13.1.
Variant type: single nucleotide variant.
Coding change: c.572A>G on transcript NM_000059.4 (MANE Select); coding-DNA position 572, A replaced by G.
Protein change: p.Asp191Gly; replaces aspartic acid 191 with glycine.
Molecular consequence: missense variant.
Genome position (GRCh38, 1-based): chr13:32,326,554, A>G. VCF-style: chr13-32326554-A-G. GRCh37 (hg19) VCF-style: chr13-32900691-A-G.
Other names: short protein forms D191G.
Identifiers: ClinVar variation 51920 (VCV000051920.6), dbSNP rs397507798, ClinGen allele CA023083.

ClinVar aggregate classification (germline): Conflicting classifications of pathogenicity. Review status: criteria provided, conflicting classifications (1 of 4 stars). 3 submissions from 3 submitters: Likely pathogenic (1); Uncertain significance (1). 1 of the submissions does not count toward it. Last evaluated 2025-01-23.

Conditions:
Hereditary breast ovarian cancer syndrome. Also called: Hereditary breast and ovarian cancer syndrome; Hereditary breast and ovarian cancer; Hereditary breast and ovarian cancer syndrome (HBOC); Breast and ovarian cancer; Hereditary breast and/or ovarian cancer syndrome; BRCA1- and BRCA2-Associated Hereditary Breast and Ovarian Cancer. Identifiers: Orphanet 145, MedGen C0677776, MeSH D061325, MONDO:0003582. Disease mechanism: loss of function.
Hereditary cancer-predisposing syndrome. Also called: Neoplastic Syndromes, Hereditary; Tumor predisposition; Hereditary Cancer Syndrome; Hereditary neoplastic syndrome. Identifiers: Orphanet 140162, MedGen C0027672, MeSH D009386, MONDO:0015356.
Familial cancer of breast. Also called: BREAST CANCER, FAMILIAL; Hereditary breast cancer; hereditary breast carcinoma. Identifiers: Orphanet 227535, MedGen C0346153, MONDO:0016419, OMIM 114480. Disease mechanism: loss of function.

gnomAD v4.1: 2 of 1,614,066 alleles (0.00012%); highest among the groups gnomAD compares: South Asian, 0.0022%; no homozygotes.

Submissions (3):

Ambry Genetics
Classification: Uncertain significance for Hereditary cancer-predisposing syndrome. Last evaluated: 2025-01-23. Review status: criteria provided, single submitter. Criteria: Ambry Variant Classification Scheme 2023. Collection method: clinical testing. Allele origin: germline.
Comment: The c.572A>G variant (also known as p.D191G), located in coding exon 6 of the BRCA2 gene, results from an A to G substitution at nucleotide position 572. RNA studies have demonstrated that this alteration results in abnormal splicing that results in the in-frame loss of 20 amino acids (Ambry internal data; Gaildrat P et al. J Med Genet, 2012 Oct;49:609-17; Fraile-Bethencourt E et al. J Pathol, 2019 Aug;248:409-420); however, the exact functional impact of the deleted amino acids is unknown at this time. This nucleotide position is highly conserved in available vertebrate species. In silico splice site analysis predicts that this alteration will result in the creation or strengthening of a novel splice donor site. Based on the available evidence, the clinical significance of this variant remains unclear.

Laboratory for Molecular Medicine, Mass General Brigham Personalized Medicine
Classification: Likely pathogenic for Hereditary breast ovarian cancer syndrome. Last evaluated: 2019-10-14. Review status: criteria provided, single submitter. Criteria: ACMG Guidelines, 2015. Collection method: clinical testing. Allele origin: germline.
Comment: The p.Asp191Gly variant in BRCA2 has been reported in 2 individuals with early-onset breast cancer (Gaildrat 2012). It was absent from large population studies. Computational prediction tools and conservation analysis suggest that the p.Asp191Gly variant may impact the protein, though this information is not predictive enough to determine pathogenicity. Additionally, in vitro splicing assays provide evidence that this variant leads to a splicing change, resulting in the in-frame deletion of 20 amino acids (Gaildrat 2012, Fraile-Bethencourt 2019); however, these types of assays may not accurately represent biological function. In summary, although additional studies are required to fully establish its clinical significance, this variant meets criteria to be classified as likely pathogenic for autosomal dominant hereditary breast and ovarian cancer syndrome (HBOC). ACMG/AMP Criteria applied: PM2, PS3_Moderate, PP3, PS4_Supporting.

ClinVar Staff, National Center for Biotechnology Information (NCBI)
No classification provided. Condition: Familial cancer of breast. Review status: no classification provided. Collection method: literature only. Allele origin: germline. Affected: yes. Not counted in ClinVar's aggregate classification.

Literature cited by the submitters: PubMed 22962691 (cited by 3 submitters); PubMed 30883759 (cited by Ambry Genetics and Laboratory for Molecular Medicine, Mass General Brigham Personalized Medicine).